The following is an entry in ClinVar:

ClinVar aggregate classification (germline): Uncertain significance. Review status: criteria provided, multiple submitters, no conflicts (2 of 4 stars). 3 submissions from 3 submitters: Uncertain significance (2). 1 of the submissions does not count toward it. Last evaluated 2025-10-08.

Conditions:
Fanconi anemia (FA). Also called: Fanconi's anemia. Identifiers: Orphanet 84, MedGen C0015625, MeSH D005199, MONDO:0019391.
Fanconi anemia complementation group D2. Also called: FANCD2-Related Fanconi Anemia; FANCONI PANCYTOPENIA, TYPE 4; FANCONI ANEMIA, COMPLEMENTATION GROUP D. Identifiers: Orphanet 84, MedGen C3160738, MONDO:0009214, OMIM 227646.

Submissions (3):

Labcorp Genetics (formerly Invitae), Labcorp
Classification: Uncertain significance for Fanconi anemia. Last evaluated: 2025-10-08. Review status: criteria provided, single submitter. Criteria: Invitae Variant Classification Sherloc (09022015). Collection method: clinical testing. Allele origin: germline.
Comment: This variant, c.2097_2099del, results in the deletion of 1 amino acid(s) of the FANCD2 protein (p.Leu700del), but otherwise preserves the integrity of the reading frame. This variant is present in population databases (no rsID available, gnomAD 0.006%). This variant has been observed in individual(s) with Fanconi anemia (PMID: 27642530). ClinVar contains an entry for this variant (Variation ID: 224709). Experimental studies and prediction algorithms are not available or were not evaluated, and the functional significance of this variant is currently unknown. In summary, the available evidence is currently insufficient to determine the role of this variant in disease. Therefore, it has been classified as a Variant of Uncertain Significance.

GeneDx
Classification: Uncertain significance. Last evaluated: 2022-05-10. Review status: criteria provided, single submitter. Criteria: GeneDx Variant Classification Process June 2021. Collection method: clinical testing. Allele origin: germline. Affected: yes.
Comment: In-frame deletion of 1 amino acids in a non-repeat region; In silico analysis supports a deleterious effect on protein structure/function; This variant is associated with the following publications: (PMID: 27642530)

Laboratory Genomica, Gynecology and Assisted Reproduction Hospital Malinov DM
Classification: Likely pathogenic for Fanconi anemia complementation group D2. Last evaluated: 2016-03-01. Review status: no assertion criteria provided. Collection method: clinical testing. Allele origin: germline. Affected: yes. Not counted in ClinVar's aggregate classification.

Literature cited by the submitters: PubMed 27642530 (cited by Labcorp Genetics (formerly Invitae), Labcorp); DOI 10.1155/2016/1462818 (cited by Laboratory Genomica, Gynecology and Assisted Reproduction Hospital Malinov DM).

NM_001018115.3(FANCD2):c.2094CCT[1] (p.Leu700del)

Genes: FANCD2 (FA complementation group D2; plus strand), LOC107303338 (3p25 FANCD2 Alu-mediated recombination region; plus strand). Cytogenetic location: 3p25.3.
Variant type: Microsatellite.
Coding change: c.2094CCT[1] on transcript NM_001018115.3 (MANE Select); one copy of the 3-base unit CCT starting at c.2094; the reference has two copies in a row; one copy, 3 bases deleted.
Protein change: p.Leu700del; deletes leucine 700.
Molecular consequence: inframe deletion.
Genome position (GRCh38, 1-based): chr3:10,064,804-10,064,806, CCT deleted; deleting any 3 consecutive bases within chr3:10,064,801-10,064,806 gives the same sequence; the position shown is the placement nearest the transcript's 3' end. VCF-style (leftmost placement, unchanged base first): chr3-10064800-ACCT-A. GRCh37 (hg19) VCF-style: chr3-10106484-ACCT-A.
Other names: c.2097_2099delCCT (NM_033084.3); c.2094CCT[1], p.Leu700del (NM_001319984.2, NM_001374254.1, NM_033084.6); c.1983CCT[1], p.Leu663del (NM_001374253.1); short protein forms L700del, L663del.
Identifiers: ClinVar variation 224709 (VCV000224709.8), dbSNP rs869312805, ClinGen allele CA353577.